The following is an entry in ClinVar:

NM_001042492.3(NF1):c.4460del (p.Pro1487fs)

Gene: NF1 (neurofibromin 1; plus strand). Cytogenetic location: 17q11.2.
Variant type: Deletion.
Coding change: c.4460del on transcript NM_001042492.3 (MANE Select); coding-DNA position 4460, one base deleted (C; older notation c.4460delC).
Protein change: p.Pro1487fs; shifts the reading frame from proline 1487.
Molecular consequence: frameshift variant.
Genome position (GRCh38, 1-based): chr17:31,260,398, C deleted; the last of 2 consecutive C bases (chr17:31,260,397-31,260,398); deleting either gives the same sequence. VCF-style (leftmost placement, unchanged base first): chr17-31260396-TC-T. GRCh37 (hg19) VCF-style: chr17-29587414-TC-T.
Other names: c.4397delC, p.Pro1466Leufs (NM_000267.4); c.4460delC, p.Pro1487Leufs (NM_001042492.2); short protein forms P1487fs, P1466fs.
Identifiers: ClinVar variation 431643 (VCV000431643.7), dbSNP rs1135402861, ClinGen allele CA645373128.

ClinVar aggregate classification (germline): Pathogenic. Review status: criteria provided, single submitter (1 of 4 stars). 2 submissions from 2 submitters: Pathogenic (1). 1 of the submissions does not count toward it. Last evaluated 2023-10-22.

Conditions:
Neurofibromatosis, type 1 (NF1). Also called: Neurofibromatosis, type I; NEUROFIBROMATOSIS, TYPE I, SOMATIC; Peripheral type neurofibromatosis; VON RECKLINGHAUSEN DISEASE. Identifiers: Orphanet 636, MedGen C0027831, MONDO:0018975, OMIM 162200. Disease mechanism: loss of function.

Submissions (2):

Labcorp Genetics (formerly Invitae), Labcorp
Classification: Pathogenic for Neurofibromatosis, type 1. Last evaluated: 2023-10-22. Review status: criteria provided, single submitter. Criteria: Invitae Variant Classification Sherloc (09022015). Collection method: clinical testing. Allele origin: germline.
Comment: This sequence change creates a premature translational stop signal (p.Pro1466Leufs*6) in the NF1 gene. It is expected to result in an absent or disrupted protein product. Loss-of-function variants in NF1 are known to be pathogenic (PMID: 10712197, 23913538). This variant is not present in population databases (gnomAD no frequency). This premature translational stop signal has been observed in individual(s) with neurofibromatosis type 1 (PMID: 28961165). ClinVar contains an entry for this variant (Variation ID: 431643). Algorithms developed to predict the effect of sequence changes on RNA splicing suggest that this variant may disrupt the consensus splice site. For these reasons, this variant has been classified as Pathogenic.

Medical Genetics, University of Parma
Classification: Pathogenic for Neurofibromatosis type 1. Last evaluated: 2017-02-02. Review status: no assertion criteria provided. Collection method: clinical testing. Allele origin: germline. Affected: yes. Not counted in ClinVar's aggregate classification.

Literature cited by the submitters: PubMed 10712197 (cited by Labcorp Genetics (formerly Invitae), Labcorp); PubMed 23913538 (cited by Labcorp Genetics (formerly Invitae), Labcorp); PubMed 28961165 (cited by Labcorp Genetics (formerly Invitae), Labcorp).